The following is an entry in ClinVar:

ClinVar aggregate classification (germline): Uncertain significance. Review status: criteria provided, multiple submitters, no conflicts (2 of 4 stars). 2 submissions from 2 submitters: Uncertain significance (2). Last evaluated 2024-01-03.

Conditions:
Inborn genetic diseases. Identifiers: MedGen C0950123, MeSH D030342.

Allele frequency attached by ClinVar (database versions not stated): gnomAD exomes below 0.00001 and 0.00001; ExAC 0.00001; TOPMed 0.00001; gnomAD 0.00002.
gnomAD v4.1: 22 of 1,614,026 alleles (0.0014%); highest among the groups gnomAD compares: Non-Finnish European, 0.0017%; no homozygotes.

Submissions (2):

Ambry Genetics
Classification: Uncertain significance for Inborn genetic diseases. Last evaluated: 2024-01-03. Review status: criteria provided, single submitter. Criteria: Ambry Variant Classification Scheme 2023. Collection method: clinical testing. Allele origin: germline.

Women's Health and Genetics/Laboratory Corporation of America, LabCorp
Classification: Uncertain significance. Last evaluated: 2020-09-22. Review status: criteria provided, single submitter. Criteria: LabCorp Variant Classification Summary - May 2015. Collection method: clinical testing. Allele origin: germline.
Comment: Variant summary: CRYBB1 c.692G>A (p.Arg231His) results in a non-conservative amino acid change located in the fourth 'Greek key' motif, in the second beta/gamma crystallin domain (IPR001064) of the encoded protein sequence. Five of five in-silico tools predict a damaging effect of the variant on protein function. The variant allele was found at a frequency of 4e-06 in 251188 control chromosomes (gnomAD). The available data on variant occurrences in the general population are insufficient to allow any conclusion about variant significance. To our knowledge, no occurrence of c.692G>A in individuals affected with Cataract, Congenital Nuclear, Autosomal Recessive 3 and no experimental evidence demonstrating its impact on protein function have been reported. No clinical diagnostic laboratories have submitted clinical-significance assessments for this variant to ClinVar after 2014. Based on the evidence outlined above, the variant was classified as uncertain significance.

NM_001887.4(CRYBB1):c.692G>A (p.Arg231His)

Genes: CRYBA4 (crystallin beta A4; plus strand), CRYBB1 (crystallin beta B1; minus strand). Cytogenetic location: 22q12.1.
Variant type: single nucleotide variant.
Coding change: c.692G>A on transcript NM_001887.4 (MANE Select); coding-DNA position 692, G replaced by A.
Protein change: p.Arg231His; replaces arginine 231 with histidine.
Molecular consequence: missense variant.
Genome position (GRCh38, 1-based): chr22:26,599,557, C>T on the plus strand (G>A on the coding strand, the complement: CRYBB1 is on the minus strand). VCF-style: chr22-26599557-C-T. GRCh37 (hg19) VCF-style: chr22-26995521-C-T.
Other names: short protein forms R231H.
Identifiers: ClinVar variation 981118 (VCV000981118.2), dbSNP rs745344551, ClinGen allele CA10165366.